The following is an entry in ClinVar:

ClinVar aggregate classification (germline): Conflicting classifications of pathogenicity. Review status: criteria provided, conflicting classifications (1 of 4 stars). 7 submissions from 7 submitters: Uncertain significance (5); Likely benign (2). Last evaluated 2025-11-05.

Conditions:
Hereditary breast ovarian cancer syndrome. Also called: Hereditary breast and ovarian cancer syndrome (HBOC); Breast and ovarian cancer; Hereditary breast and ovarian cancer; BRCA1- and BRCA2-Associated Hereditary Breast and Ovarian Cancer; Hereditary breast and/or ovarian cancer syndrome; Hereditary breast and ovarian cancer syndrome. Identifiers: Orphanet 145, MedGen C0677776, MeSH D061325, MONDO:0003582. Disease mechanism: loss of function.
Hereditary cancer-predisposing syndrome. Also called: Tumor predisposition; Hereditary neoplastic syndrome; Neoplastic Syndromes, Hereditary; Hereditary Cancer Syndrome. Identifiers: Orphanet 140162, MedGen C0027672, MeSH D009386, MONDO:0015356.
Breast-ovarian cancer, familial, susceptibility to, 2 (BROVCA2). Also called: BRCA2 Hereditary Breast and Ovarian Cancer. Identifiers: Orphanet 145, MedGen C2675520, MONDO:0012933, OMIM 612555. Disease mechanism: loss of function.

Allele frequency attached by ClinVar (database versions not stated): gnomAD 0.00002; TOPMed 0.00002.
gnomAD v4.1: 3 of 1,612,506 alleles (0.00019%); highest among the groups gnomAD compares: Admixed American, 0.0033%; no homozygotes.

Submissions (7):

Labcorp Genetics (formerly Invitae), Labcorp
Classification: Likely benign for Hereditary breast ovarian cancer syndrome. Last evaluated: 2025-11-05. Review status: criteria provided, single submitter. Criteria: Invitae Variant Classification Sherloc (09022015). Collection method: clinical testing. Allele origin: germline.

Quest Diagnostics Nichols Institute San Juan Capistrano
Classification: Uncertain significance. Last evaluated: 2025-07-18. Review status: criteria provided, single submitter. Criteria: Quest Diagnostics criteria. Collection method: clinical testing. Allele origin: unknown.
Comment: The BRCA2 c.4429A>G (p.Ile1477Val) variant has been reported in the published literature in an individual with breast cancer (PMID: 22034289 (2012)). This variant has also been described to be located in a region of the BRCA2 gene that is tolerant to missense sequence changes (PMID: 31911673 (2020)). The frequency of this variant in the general population (Genome Aggregation Database) is uninformative in the assessment of its pathogenicity. Analysis of this variant using bioinformatics tools for the prediction of the effect of amino acid changes on protein structure and function yielded predictions that this variant is benign. Based on the available information, we are unable to determine the clinical significance of this variant.

Ambry Genetics
Classification: Uncertain significance for Hereditary cancer-predisposing syndrome. Last evaluated: 2025-06-02. Review status: criteria provided, single submitter. Criteria: Ambry Variant Classification Scheme 2023. Collection method: clinical testing. Allele origin: germline.
Comment: The p.I1477V variant (also known as c.4429A>G), located in coding exon 10 of the BRCA2 gene, results from an A to G substitution at nucleotide position 4429. The isoleucine at codon 1477 is replaced by valine, an amino acid with highly similar properties. This amino acid position is not well conserved in available vertebrate species. In addition, this alteration is predicted to be tolerated by in silico analysis. Since supporting evidence is limited at this time, the clinical significance of this alteration remains unclear.

All of Us Research Program, National Institutes of Health
Classification: Uncertain significance for Breast-ovarian cancer, familial, susceptibility to, 2. Last evaluated: 2023-08-23. Review status: criteria provided, single submitter. Criteria: ACMG Guidelines, 2015. Collection method: clinical testing. Allele origin: germline. Inheritance: Autosomal dominant inheritance. Observed: 1 variant allele, 1 heterozygote.
Comment: This missense variant replaces isoleucine with valine at codon 1477 of the BRCA2 protein. Computational prediction suggests that this variant may not impact protein structure and function (internally defined REVEL score threshold <= 0.5, PMID: 27666373). To our knowledge, functional studies have not been reported for this variant. This variant has been detected in an individual affected with breast cancer (PMID: 22034289). This variant has not been identified in the general population by the Genome Aggregation Database (gnomAD). The available evidence is insufficient to determine the role of this variant in disease conclusively. Therefore, this variant is classified as a Variant of Uncertain Significance.

This study involves interpretation of variants in research participants for the purpose of population health screening. Participant phenotype was not available at the time of variant classification. Additional details can be found in publication PMID: 35346344, PMCID: PMC8962531

Color Diagnostics, LLC DBA Color Health
Classification: Uncertain significance for Hereditary cancer-predisposing syndrome. Last evaluated: 2023-08-14. Review status: criteria provided, single submitter. Criteria: ACMG Guidelines, 2015. Collection method: clinical testing. Allele origin: germline.
Comment: This missense variant replaces isoleucine with valine at codon 1477 of the BRCA2 protein. Computational prediction suggests that this variant may not impact protein structure and function (internally defined REVEL score threshold <= 0.5, PMID: 27666373). To our knowledge, functional studies have not been reported for this variant. This variant has been detected in an individual affected with breast cancer (PMID: 22034289). This variant has not been identified in the general population by the Genome Aggregation Database (gnomAD). The available evidence is insufficient to determine the role of this variant in disease conclusively. Therefore, this variant is classified as a Variant of Uncertain Significance.

University of Washington Department of Laboratory Medicine, University of Washington
Classification: Likely benign for Hereditary cancer-predisposing syndrome. Last evaluated: 2023-03-23. Review status: criteria provided, single submitter. Criteria: Dines et al. (Genet Med. 2020). Collection method: curation. Allele origin: germline.
Comment: Missense variant in a coldspot region where missense variants are very unlikely to be pathogenic (PMID:31911673).

BRCA2 exon 11 coldspot. Reclassification based on statistical prior probability.

Women's Health and Genetics/Laboratory Corporation of America, LabCorp
Classification: Uncertain significance. Last evaluated: 2021-03-14. Review status: criteria provided, single submitter. Criteria: LabCorp Variant Classification Summary - May 2015. Collection method: clinical testing. Allele origin: germline.
Comment: Variant summary: BRCA2 c.4429A>G (p.Ile1477Val) results in a conservative amino acid change in the encoded protein sequence. Five of five in-silico tools predict a benign effect of the variant on protein function. The variant was absent in 249430 control chromosomes. The available data on variant occurrences in the general population are insufficient to allow any conclusion about variant significance. c.4429A>G has been reported in the literature in at-least one individual affected with breast cancer (example, Fackenthal_2012). This report does not provide unequivocal conclusions about association of the variant with Hereditary Breast And Ovarian Cancer Syndrome. To our knowledge, no experimental evidence demonstrating an impact on protein function has been reported. Two clinical diagnostic laboratories have submitted clinical-significance assessments for this variant to ClinVar after 2014 without evidence for independent evaluation. All laboratories classified the variant as uncertain significance citing overlapping evidence utilized in the context of this evaluation. Based on the evidence outlined above, the variant was classified as uncertain significance.

Literature cited by the submitters: PubMed 31911673 (cited by Quest Diagnostics Nichols Institute San Juan Capistrano); PubMed 22034289 (cited by 5 submitters).

NM_000059.4(BRCA2):c.4429A>G (p.Ile1477Val)

Gene: BRCA2 (BRCA2 DNA repair associated; plus strand). Cytogenetic location: 13q13.1.
Variant type: single nucleotide variant.
Coding change: c.4429A>G on transcript NM_000059.4 (MANE Select); coding-DNA position 4429, A replaced by G.
Protein change: p.Ile1477Val; replaces isoleucine 1477 with valine.
Molecular consequence: missense variant.
Genome position (GRCh38, 1-based): chr13:32,338,784, A>G. VCF-style: chr13-32338784-A-G. GRCh37 (hg19) VCF-style: chr13-32912921-A-G.
Other names: short protein forms I1477V.
Identifiers: ClinVar variation 495464 (VCV000495464.23), dbSNP rs1159807733, ClinGen allele CA387781283.